The following is an entry in ClinVar:

ClinVar aggregate classification (germline): Uncertain significance (1 of 4 stars; one submission).

Conditions:
Inborn genetic diseases. Identifiers: MedGen C0950123, MeSH D030342.

Allele frequency attached by ClinVar (database versions not stated): TOPMed below 0.00001; gnomAD 0.00001.
gnomAD v4.1: 1 of 1,612,328 alleles (0.000062%); highest among the groups gnomAD compares: Non-Finnish European, 0.000085%; no homozygotes.

Submission:

Ambry Genetics
Classification: Uncertain significance for Inborn genetic diseases. Last evaluated: 2022-03-25. Review status: criteria provided, single submitter. Criteria: Ambry Variant Classification Scheme 2023. Collection method: clinical testing. Allele origin: germline.
Comment: The p.I1239L variant (also known as c.3715A>C), located in coding exon 19 of the ATR gene, results from an A to C substitution at nucleotide position 3715. The isoleucine at codon 1239 is replaced by leucine, an amino acid with highly similar properties. This amino acid position is conserved. In addition, this alteration is predicted to be tolerated by in silico analysis. Since supporting evidence is limited at this time, the clinical significance of this alteration remains unclear.

NM_001184.4(ATR):c.3715A>C (p.Ile1239Leu)

Gene: ATR (ATR checkpoint kinase; minus strand). Cytogenetic location: 3q23.
Variant type: single nucleotide variant.
Coding change: c.3715A>C on transcript NM_001184.4 (MANE Select); coding-DNA position 3715, A replaced by C.
Protein change: p.Ile1239Leu; replaces isoleucine 1239 with leucine.
Molecular consequence: missense variant.
Genome position (GRCh38, 1-based): chr3:142,538,492, T>G on the plus strand (A>C on the coding strand, the complement: ATR is on the minus strand). VCF-style: chr3-142538492-T-G. GRCh37 (hg19) VCF-style: chr3-142257334-T-G.
Other names: c.3523A>C, p.Ile1175Leu (NM_001354579.2); short protein forms I1175L, I1239L.
Identifiers: ClinVar variation 1734233 (VCV001734233.2), dbSNP rs753568308, ClinGen allele CA354807386.
Genomic context (GRCh38, chr3:142,538,492, plus strand): 5'-AAATACAGTTTAAAAAGTTATTATTTTACTATTAATTTCAGTTACAATACCTGTTTTCAA[T>G]TATGAGGTAGTGGAAGATAGCTGCAGTTTCTTTAGGCTGGATGTGTATAAGAGGTAACAA-3'
Protein context (NP_001175.2, residues 1229-1249): ETAAIFHYLI[Ile1239Leu]ENRDAVQDFL